The following is an entry in ClinVar:

ClinVar aggregate classification (germline): Uncertain significance (1 of 4 stars; one submission).

Conditions:
Hereditary cancer-predisposing syndrome. Also called: Neoplastic Syndromes, Hereditary; Tumor predisposition; Hereditary Cancer Syndrome; Hereditary neoplastic syndrome. Identifiers: Orphanet 140162, MedGen C0027672, MeSH D009386, MONDO:0015356.

Submission:

Ambry Genetics
Classification: Uncertain significance for Hereditary cancer-predisposing syndrome. Last evaluated: 2026-02-18. Review status: criteria provided, single submitter. Criteria: Ambry Variant Classification Scheme 2023. Collection method: clinical testing. Allele origin: germline.
Comment: The p.N1070H variant (also known as c.3208A>C), located in coding exon 15 of the APC gene, results from an A to C substitution at nucleotide position 3208. The asparagine at codon 1070 is replaced by histidine, an amino acid with similar properties. This amino acid position is poorly conserved in available vertebrate species. In addition, in silico predictors for this gene do not accurately predict pathogenicity. Missense variants in APC are not a common cause of disease (Spier I et al. Genet Med. 2024 Feb;26(2):100992). Based on the available evidence, the clinical significance of this variant remains unclear.

NM_000038.6(APC):c.3208A>C (p.Asn1070His)

Gene: APC (APC regulator of Wnt signaling pathway; plus strand). Cytogenetic location: 5q22.2.
Variant type: single nucleotide variant.
Coding change: c.3208A>C on transcript NM_000038.6 (MANE Select); coding-DNA position 3208, A replaced by C.
Protein change: p.Asn1070His; replaces asparagine 1070 with histidine.
Molecular consequence: missense variant. On other transcripts: non-coding transcript variant (2).
Genome position (GRCh38, 1-based): chr5:112,838,802, A>C. VCF-style: chr5-112838802-A-C. GRCh37 (hg19) VCF-style: chr5-112174499-A-C.
Other names: c.3208A>C, p.Asn1070His (NM_001127510.3, NM_001354895.2, NM_001407450.1); c.3154A>C, p.Asn1052His (NM_001127511.3); c.3262A>C, p.Asn1088His (NM_001354896.2, NM_001407447.1, NM_001407448.1 and 1 more transcripts); c.3238A>C, p.Asn1080His (NM_001354897.2); c.3133A>C, p.Asn1045His (NM_001354898.2); c.3124A>C, p.Asn1042His (NM_001354899.2); c.3085A>C, p.Asn1029His (NM_001354900.2); c.3031A>C, p.Asn1011His (NM_001354901.2, NM_001407453.1); and 11 more; short protein forms N1042H, N1060H, N1070H, N787H, N1045H, N1063H, N1080H, N1088H.
Identifiers: ClinVar variation 4825046 (VCV004825046.1).